The following is an entry in ClinVar:

NM_000138.5(FBN1):c.4172G>T (p.Cys1391Phe)

Gene: FBN1 (fibrillin 1; minus strand). Cytogenetic location: 15q21.1.
Variant type: single nucleotide variant.
Coding change: c.4172G>T on transcript NM_000138.5 (MANE Select); coding-DNA position 4172, G replaced by T.
Protein change: p.Cys1391Phe; replaces cysteine 1391 with phenylalanine.
Molecular consequence: missense variant.
Genome position (GRCh38, 1-based): chr15:48,474,293, C>A on the plus strand (G>T on the coding strand, the complement: FBN1 is on the minus strand). VCF-style: chr15-48474293-C-A. GRCh37 (hg19) VCF-style: chr15-48766490-C-A.
Other names: c.4172G>T (NM_000138.4); short protein forms C1391F.
Identifiers: ClinVar variation 500066 (VCV000500066.9), dbSNP rs1352478541, ClinGen allele CA392320125.

ClinVar aggregate classification (germline): Conflicting classifications of pathogenicity. Review status: criteria provided, conflicting classifications (1 of 4 stars). 3 submissions from 3 submitters: Pathogenic (1); Uncertain significance (1). 1 of the submissions does not count toward it. Last evaluated 2024-10-21.

Conditions:
Familial thoracic aortic aneurysm and aortic dissection (TAAD). Also called: Thoracic aortic aneurysms and dissections. Identifiers: Orphanet 91387, MedGen C4707243, MONDO:0019625.
Marfan syndrome (MFS). Also called: Marfan syndrome type 1; Marfan syndrome, classic; Marfan's syndrome; FBN1-Related Marfan Syndrome; MARFAN SYNDROME, TYPE I. Identifiers: Orphanet 284963, Orphanet 558, MedGen C0024796, MONDO:0007947, OMIM 154700.
FBN1-related disorder. Also called: FBN1-related disorders.

Allele frequency attached by ClinVar (database versions not stated): gnomAD exomes below 0.00001.
gnomAD v4.1: 1 of 1,614,112 alleles (0.000062%); highest among the groups gnomAD compares: Non-Finnish European, 0.000085%; no homozygotes.

Submissions (3):

Labcorp Genetics (formerly Invitae), Labcorp
Classification: Pathogenic for Marfan syndrome; Familial thoracic aortic aneurysm and aortic dissection. Last evaluated: 2024-10-21. Review status: criteria provided, single submitter. Criteria: Invitae Variant Classification Sherloc (09022015). Collection method: clinical testing. Allele origin: germline.
Comment: This sequence change replaces cysteine, which is neutral and slightly polar, with phenylalanine, which is neutral and non-polar, at codon 1391 of the FBN1 protein (p.Cys1391Phe). This variant is present in population databases (no rsID available, gnomAD 0.0009%). This missense change has been observed in individuals with Marfan syndrome (PMID: 19012347; internal data). ClinVar contains an entry for this variant (Variation ID: 500066). Invitae Evidence Modeling of protein sequence and biophysical properties (such as structural, functional, and spatial information, amino acid conservation, physicochemical variation, residue mobility, and thermodynamic stability) indicates that this missense variant is expected to disrupt FBN1 protein function with a positive predictive value of 95%. This variant affects a cysteine residue in the EGF-like, TGFBP or hybrid motif domains of FBN1. Cysteine residues are believed to be involved in intramolecular disulfide bridges and have been shown to be important for FBN1 protein structure (PMID: 16905551, 19349279). In addition, missense substitutions affecting cysteine residues within these domains are significantly overrepresented among patients with Marfan syndrome (PMID: 16571647, 17701892). For these reasons, this variant has been classified as Pathogenic.

Eurofins Ntd Llc (ga)
Classification: Uncertain significance. Last evaluated: 2017-02-02. Review status: criteria provided, single submitter. Criteria: EGL Classification Definitions 2015. Collection method: clinical testing. Allele origin: germline. Observed: 3 variant alleles, 3 heterozygotes.

PreventionGenetics, part of Exact Sciences
Classification: Likely pathogenic for FBN1-related condition. Last evaluated: 2024-03-04. Review status: no assertion criteria provided. Collection method: clinical testing. Allele origin: germline. Not counted in ClinVar's aggregate classification.
Comment: The FBN1 c.4172G>T variant is predicted to result in the amino acid substitution p.Cys1391Phe. This variant was reported within individuals presenting with Marfan syndrome, however inheritance information was not provided (Rybczynski et al. 2008. PubMed ID: 19012347; Supplementary Data, Stark et al. 2020. PubMed ID: 32679894). This variant is reported in 0.00088% of alleles in individuals of European (Non-Finnish) descent in gnomAD. This variant is interpreted as likely pathogenic.

Literature cited by the submitters: PubMed 19012347 (cited by Labcorp Genetics (formerly Invitae), Labcorp); PubMed 16905551 (cited by Labcorp Genetics (formerly Invitae), Labcorp); PubMed 19349279 (cited by Labcorp Genetics (formerly Invitae), Labcorp); PubMed 16571647 (cited by Labcorp Genetics (formerly Invitae), Labcorp); PubMed 17701892 (cited by Labcorp Genetics (formerly Invitae), Labcorp).